The following is an entry in ClinVar:

NM_000135.4(FANCA):c.4261-2A>C

Genes: FANCA (FA complementation group A; minus strand), ZNF276 (zinc finger protein 276; plus strand). Cytogenetic location: 16q24.3.
Variant type: single nucleotide variant.
Coding change: c.4261-2A>C on transcript NM_000135.4 (MANE Select); the canonical splice acceptor site of the intron before coding-DNA position 4261, A replaced by C.
Molecular consequence: splice acceptor variant. On other transcripts: 3 prime UTR variant (2), non-coding transcript variant (4).
Genome position (GRCh38, 1-based): chr16:89,738,710, T>G on the plus strand (A>C on the coding strand, the complement: FANCA is on the minus strand). VCF-style: chr16-89738710-T-G. GRCh37 (hg19) VCF-style: chr16-89805118-T-G.
Other names: c.*464T>G (NM_001113525.2, NM_152287.4); c.4265-2A>C (NM_001286167.3).
Identifiers: ClinVar variation 545114 (VCV000545114.16), dbSNP rs915983602, ClinGen allele CA286613931.

ClinVar aggregate classification (germline): Pathogenic. Review status: criteria provided, multiple submitters, no conflicts (2 of 4 stars). 10 submissions from 9 submitters: Pathogenic (7). 3 of the submissions do not count toward it. Last evaluated 2025-12-28.

Conditions:
Fanconi anemia complementation group A (FANCA). Also called: Fanconi anemia, group A; FANCA-Related Fanconi Anemia. Identifiers: Orphanet 84, MedGen C3469521, MONDO:0009215, OMIM 227650.
FANCA-related disorders.
Neuroblastoma (NB). Identifiers: Orphanet 635, MedGen C0027819, MeSH D009447, MONDO:0005072, HP:0003006.
Fanconi anemia (FA). Also called: Fanconi's anemia. Identifiers: Orphanet 84, MedGen C0015625, MeSH D005199, MONDO:0019391.

Allele frequency attached by ClinVar (database versions not stated): TOPMed 0.00001.
gnomAD v4.1: 18 of 1,613,838 alleles (0.0011%); highest among the groups gnomAD compares: Middle Eastern, 0.016%; no homozygotes.

Submissions (10):

First Genomix Gene Laboratory, Genetic Diagnostics Department
Classification: Pathogenic for Fanconi anemia complementation group A. Last evaluated: 2025-12-28. Review status: criteria provided, single submitter. Criteria: ACMG Guidelines, 2015. Collection method: clinical testing. Allele origin: germline. Inheritance: Autosomal recessive inheritance. Affected: no. Observed: 1 variant allele.

3billion
Classification: Pathogenic for Fanconi anemia complementation group A. Last evaluated: 2025-10-29. Review status: criteria provided, single submitter. Criteria: ACMG Guidelines, 2015. Collection method: clinical testing. Allele origin: germline. Affected: yes.
Comment: The variant is observed at an extremely low frequency in the gnomAD v4.1.0 dataset (total allele frequency: 0.001%). Predicted Consequence/Location: Canonical splice site: predicted to alter splicing and result in a loss or disruption of normal protein function. The predicted truncated protein may be shortened by less than 10%. In silico tools predict the variant to alter splicing and produce an abnormal transcript [SpliceAI: 0.72 (spliceogenicity >=0.2, non-spliceogenicity <0.1)]. The variant has been reported to be in trans with a pathogenic variant as either compound heterozygous or homozygous in at least 2 similarly affected unrelated individuals (PMID: 28060124, 29098742). The variant has been reported to co-segregate with the disease in at least one similarly affected relative/individual in the same family or similarly affected unrelated families (PMID: 15059067). The variant has been reported at least twice as pathogenic with clinical assertions and evidence for the classification (ClinVar ID: VCV000545114 /PMID: 15059067). Therefore, this variant is classified as Pathogenic according to the recommendation of ACMG/AMP guideline.

Natera, Inc.
Classification: Pathogenic for Fanconi anemia. Last evaluated: 2024-12-31. Review status: criteria provided, single submitter. Criteria: Natera Variant Classification Schema (03/2026). Collection method: clinical testing. Allele origin: germline.
Comment: The c.4261-2A>C variant in FANCA is a canonical splice acceptor site variant predicted to affect pre-mRNA splicing, which may result in an abnormal transcript and altered protein product. This variant may result in a truncated or dysfunctional protein product. This variant is rare in the general population with a frequency below the threshold expected for the associated phenotype(s). This variant has been observed in one or more individuals affected with the associated recessive disease, as either homozygous or compound heterozygous with a second variant (PMID: 29098742, 24584348, 28060124, 35295078, 33224012). Additionally, this variant has been observed to segregate in affected family members (PMID: 15059067). Functional studies show that this variant may disrupt protein function (PMID: 15059067). Given the available evidence, this variant is classified as Pathogenic.

Labcorp Genetics (formerly Invitae), Labcorp
Classification: Pathogenic for Fanconi anemia. Last evaluated: 2024-05-04. Review status: criteria provided, single submitter. Criteria: Invitae Variant Classification Sherloc (09022015). Collection method: clinical testing. Allele origin: germline.
Comment: This sequence change affects an acceptor splice site in intron 42 of the FANCA gene. While this variant is not anticipated to result in nonsense mediated decay, it likely alters RNA splicing and results in a disrupted protein product. This variant is present in population databases (no rsID available, gnomAD 0.0009%). Disruption of this splice site has been observed in individual(s) with Fanconi anemia (PMID: 15059067, 27041517, 28060124, 29098742; Invitae). In at least one individual the data is consistent with being in trans (on the opposite chromosome) from a pathogenic variant. It has also been observed to segregate with disease in related individuals. This variant is also known as IVS42-2A>C. ClinVar contains an entry for this variant (Variation ID: 545114). Variants that disrupt the consensus splice site are a relatively common cause of aberrant splicing (PMID: 17576681, 9536098). Algorithms developed to predict the effect of sequence changes on RNA splicing suggest that this variant may disrupt the consensus splice site. For these reasons, this variant has been classified as Pathogenic.

Fulgent Genetics
Classification: Pathogenic for Fanconi anemia complementation group A. Last evaluated: 2024-04-03. Review status: criteria provided, single submitter. Criteria: ACMG Guidelines, 2015. Collection method: clinical testing. Allele origin: germline.

Baylor Genetics
Classification: Pathogenic for Fanconi anemia complementation group A. Last evaluated: 2022-12-19. Review status: criteria provided, single submitter. Criteria: ACMG Guidelines, 2015. Collection method: clinical testing. Allele origin: unknown.

Blueprint Genetics
Classification: Pathogenic for FANCA-related disorders. Last evaluated: 2020-02-11. Review status: criteria provided, single submitter. Criteria: ACMG Guidelines, 2015. Collection method: clinical testing. Allele origin: germline. Affected: yes. Observed: 3 variant alleles.

Counsyl
Classification: Pathogenic for Fanconi anemia complementation group A. Last evaluated: 2017-09-01. Review status: no assertion criteria provided. Collection method: clinical testing. Allele origin: unknown. Not counted in ClinVar's aggregate classification.

Department of Pathology and Genetics, University of Gothenburg
Classification: Likely pathogenic for Fanconi anemia complementation group A. Last evaluated: 2017-01-01. Review status: no assertion criteria provided. Collection method: clinical testing. Allele origin: unknown. Affected: yes. Not counted in ClinVar's aggregate classification.

Department of Pathology and Genetics, University of Gothenburg
Classification: Uncertain significance for Neuroblastoma. Last evaluated: 2017-01-01. Review status: flagged submission. Collection method: clinical testing. Allele origin: unknown. Affected: yes. Not counted in ClinVar's aggregate classification.
ClinVar note: Notes: Submitter also calls the variant likely pathogenic for another condition, which agrees with the two other labs about the variant.
ClinVar note: Reason: Unnecessary conflicting claim for distinct condition when other classifications are more relevant

Literature cited by the submitters: PubMed 29098742 (cited by 3 submitters); PubMed 28060124 (cited by 3 submitters); PubMed 15059067 (cited by 4 submitters); PubMed 24584348 (cited by Natera, Inc. and Counsyl); PubMed 35295078 (cited by Natera, Inc.); PubMed 33224012 (cited by Natera, Inc.); PubMed 27041517 (cited by Labcorp Genetics (formerly Invitae), Labcorp and Counsyl); PubMed 17576681 (cited by Labcorp Genetics (formerly Invitae), Labcorp); PubMed 9536098 (cited by Labcorp Genetics (formerly Invitae), Labcorp).